The following is an entry in ClinVar:

ClinVar aggregate classification (germline): Likely pathogenic. Review status: criteria provided, multiple submitters, no conflicts (2 of 4 stars). 2 submissions from 2 submitters: Likely pathogenic (2). Last evaluated 2024-11-08.

Conditions:
Factor H deficiency (CFHD). Also called: CFH DEFICIENCY; COMPLEMENT FACTOR H DEFICIENCY. Identifiers: Orphanet 200421, MedGen C0398777, MONDO:0012350, OMIM 609814.

Submissions (2):

Institute of Human Genetics, Cologne University
Classification: Likely pathogenic for Factor H deficiency. Last evaluated: 2024-11-08. Review status: criteria provided, single submitter. Criteria: ACMG Guidelines, 2015. Collection method: clinical testing. Allele origin: germline. Affected: yes.

Mayo Clinic Laboratories, Mayo Clinic
Classification: Likely pathogenic. Last evaluated: 2021-08-24. Review status: criteria provided, single submitter. Criteria: ACMG Guidelines, 2015. Collection method: clinical testing. Allele origin: germline.
Comment: PM2, PVS1

Literature cited by the submitters: PubMed 16338962 (cited by Mayo Clinic Laboratories, Mayo Clinic).

NM_000186.4(CFH):c.3322A>T (p.Lys1108Ter)

Gene: CFH (complement factor H; plus strand). Cytogenetic location: 1q31.3.
Variant type: single nucleotide variant.
Coding change: c.3322A>T on transcript NM_000186.4 (MANE Select); coding-DNA position 3322, A replaced by T.
Protein change: p.Lys1108Ter; replaces lysine 1108 with a stop codon.
Molecular consequence: nonsense.
Genome position (GRCh38, 1-based): chr1:196,745,828, A>T. VCF-style: chr1-196745828-A-T. GRCh37 (hg19) VCF-style: chr1-196714958-A-T.
Other names: p.Lys1108*; short protein forms K1108*.
Identifiers: ClinVar variation 1343354 (VCV001343354.5), dbSNP rs2149117986, ClinGen allele CA343984896.